The following is an entry in ClinVar:

NM_001394062.1(MACF1):c.2851A>G (p.Ser951Gly)

Gene: MACF1 (microtubule actin crosslinking factor 1; plus strand). Cytogenetic location: 1p34.3.
Variant type: single nucleotide variant.
Coding change: c.2851A>G on transcript NM_001394062.1 (MANE Select); coding-DNA position 2851, A replaced by G.
Protein change: p.Ser951Gly; replaces serine 951 with glycine.
Molecular consequence: missense variant.
Genome position (GRCh38, 1-based): chr1:39,309,631, A>G. VCF-style: chr1-39309631-A-G. GRCh37 (hg19) VCF-style: chr1-39775303-A-G.
Other names: c.2866A>G, p.Ser956Gly (NM_012090.5); short protein forms S951G, S956G.
Identifiers: ClinVar variation 1536438 (VCV001536438.33), dbSNP rs139801751, ClinGen allele CA779817.

ClinVar aggregate classification (germline): Benign/Likely benign. Review status: criteria provided, multiple submitters, no conflicts (2 of 4 stars). 4 submissions from 4 submitters: Benign (2); Likely benign (1). 1 of the submissions does not count toward it. Last evaluated 2026-01-12.

Conditions:
MACF1-related disorder. Also called: MACF1-related condition.

Allele frequency attached by ClinVar (database versions not stated): 1000 Genomes Project 30x 0.00031; 1000 Genomes Project 0.00040; TOPMed 0.00084; gnomAD exomes 0.00104 and 0.00124; gnomAD 0.00120 and 0.00125; ExAC 0.00141; ESP Exome Variant Server 0.00154.
gnomAD v4.1: 1,697 of 1,614,184 alleles (0.11%); highest among the groups gnomAD compares: Non-Finnish European, 0.12%; 1 homozygote.

Submissions (4):

Labcorp Genetics (formerly Invitae), Labcorp
Classification: Benign. Last evaluated: 2026-01-12. Review status: criteria provided, single submitter. Criteria: Invitae Variant Classification Sherloc (09022015). Collection method: clinical testing. Allele origin: germline.

CeGaT Center for Human Genetics Tuebingen
Classification: Benign. Last evaluated: 2025-12-01. Review status: criteria provided, single submitter. Criteria: CeGaT Center For Human Genetics Tuebingen Variant Classification Criteria Version 2. Collection method: clinical testing. Allele origin: germline. Affected: yes. Observed: 11 variant alleles.
Comment: MACF1: BS1, BS2

Blueprint Genetics
Classification: Likely benign. Last evaluated: 2024-11-20. Review status: criteria provided, single submitter. Criteria: ACMG Guidelines, 2015. Collection method: clinical testing. Allele origin: germline.

PreventionGenetics, part of Exact Sciences
Classification: Likely benign for MACF1-related condition. Last evaluated: 2021-02-10. Review status: no assertion criteria provided. Collection method: clinical testing. Allele origin: germline. Not counted in ClinVar's aggregate classification.
Comment: This variant is classified as likely benign based on ACMG/AMP sequence variant interpretation guidelines (Richards et al. 2015 PMID: 25741868, with internal and published modifications).